The following is an entry in ClinVar:

NM_000038.6(APC):c.1798A>G (p.Thr600Ala)

Gene: APC (APC regulator of Wnt signaling pathway; plus strand). Cytogenetic location: 5q22.2.
Variant type: single nucleotide variant.
Coding change: c.1798A>G on transcript NM_000038.6 (MANE Select); coding-DNA position 1798, A replaced by G.
Protein change: p.Thr600Ala; replaces threonine 600 with alanine.
Molecular consequence: missense variant.
Genome position (GRCh38, 1-based): chr5:112,835,005, A>G. VCF-style: chr5-112835005-A-G. GRCh37 (hg19) VCF-style: chr5-112170702-A-G.
Other names: c.1798A>G, p.Thr600Ala (NM_001127510.3, NM_001354895.2, NM_001407450.1); c.1744A>G, p.Thr582Ala (NM_001127511.3); c.1852A>G, p.Thr618Ala (NM_001354896.2, NM_001407447.1, NM_001407448.1 and 1 more transcripts); c.1828A>G, p.Thr610Ala (NM_001354897.2); c.1723A>G, p.Thr575Ala (NM_001354898.2); c.1714A>G, p.Thr572Ala (NM_001354899.2); c.1675A>G, p.Thr559Ala (NM_001354900.2); c.1621A>G, p.Thr541Ala (NM_001354901.2, NM_001407453.1); and 11 more; short protein forms T216A, T440A, T559A, T572A, T610A, T317A, T471A, T575A.
Identifiers: ClinVar variation 2107141 (VCV002107141.4), dbSNP rs2149841611, ClinGen allele CA16025253.

ClinVar aggregate classification (germline): Uncertain significance (1 of 4 stars; one submission).

Conditions:
Familial adenomatous polyposis 1 (FAP1). Also called: POLYPOSIS, ADENOMATOUS INTESTINAL; FAMILIAL ADENOMATOUS POLYPOSIS 1, ATTENUATED. Identifiers: MedGen C2713442, MONDO:0021056, OMIM 175100. Disease mechanism: loss of function.

Submission:

Labcorp Genetics (formerly Invitae), Labcorp
Classification: Uncertain significance for Familial adenomatous polyposis 1. Last evaluated: 2025-10-18. Review status: criteria provided, single submitter. Criteria: Invitae Variant Classification Sherloc (09022015). Collection method: clinical testing. Allele origin: germline.
Comment: This sequence change replaces threonine, which is neutral and polar, with alanine, which is neutral and non-polar, at codon 600 of the APC protein (p.Thr600Ala). This variant is not present in population databases (gnomAD no frequency). This variant has not been reported in the literature in individuals affected with APC-related conditions. ClinVar contains an entry for this variant (Variation ID: 2107141). Invitae Evidence Modeling of protein sequence and biophysical properties (such as structural, functional, and spatial information, amino acid conservation, physicochemical variation, residue mobility, and thermodynamic stability) indicates that this missense variant is not expected to disrupt APC protein function with a negative predictive value of 95%. In summary, the available evidence is currently insufficient to determine the role of this variant in disease. Therefore, it has been classified as a Variant of Uncertain Significance.